The following is an entry in ClinVar:

ClinVar aggregate classification (germline): Uncertain significance (1 of 4 stars; one submission).

Conditions:
Muscular dystrophy-dystroglycanopathy (congenital with brain and eye anomalies), type a, 8 (MDDGA8). Also called: WALKER-WARBURG SYNDROME OR MUSCLE-EYE-BRAIN DISEASE, GTDC2-RELATED. Identifiers: Orphanet 899, MedGen C3553813, MONDO:0013904, OMIM 614830.

Allele frequency attached by ClinVar (database versions not stated): gnomAD exomes below 0.00001.
gnomAD v4.1: 2 of 1,614,142 alleles (0.00012%); highest among the groups gnomAD compares: Middle Eastern, 0.033%; no homozygotes.

Submission:

Labcorp Genetics (formerly Invitae), Labcorp
Classification: Uncertain significance for Muscular dystrophy-dystroglycanopathy (congenital with brain and eye anomalies), type a, 8. Last evaluated: 2022-05-04. Review status: criteria provided, single submitter. Criteria: Invitae Variant Classification Sherloc (09022015). Collection method: clinical testing. Allele origin: germline.
Comment: In summary, the available evidence is currently insufficient to determine the role of this variant in disease. Therefore, it has been classified as a Variant of Uncertain Significance. Algorithms developed to predict the effect of missense changes on protein structure and function are either unavailable or do not agree on the potential impact of this missense change (SIFT: "Deleterious"; PolyPhen-2: "Probably Damaging"; Align-GVGD: "Class C15"). This variant has not been reported in the literature in individuals affected with POMGNT2-related conditions. This variant is not present in population databases (gnomAD no frequency). This sequence change replaces glycine, which is neutral and non-polar, with arginine, which is basic and polar, at codon 358 of the POMGNT2 protein (p.Gly358Arg).

NM_032806.6(POMGNT2):c.1072G>A (p.Gly358Arg)

Gene: POMGNT2 (protein O-linked mannose N-acetylglucosaminyltransferase 2 (beta 1,4-); minus strand). Cytogenetic location: 3p22.1.
Variant type: single nucleotide variant.
Coding change: c.1072G>A on transcript NM_032806.6 (MANE Select); coding-DNA position 1072, G replaced by A.
Protein change: p.Gly358Arg; replaces glycine 358 with arginine.
Molecular consequence: missense variant.
Genome position (GRCh38, 1-based): chr3:43,080,360, C>T on the plus strand (G>A on the coding strand, the complement: POMGNT2 is on the minus strand). VCF-style: chr3-43080360-C-T. GRCh37 (hg19) VCF-style: chr3-43121852-C-T.
Other names: short protein forms G358R.
Identifiers: ClinVar variation 2167703 (VCV002167703.4), dbSNP rs2528895846, ClinGen allele CA352301909.